The following is an entry in ClinVar:

NM_003242.6(TGFBR2):c.283A>G (p.Ile95Val)

Gene: TGFBR2 (transforming growth factor beta receptor 2; plus strand). Cytogenetic location: 3p24.1.
Variant type: single nucleotide variant.
Coding change: c.283A>G on transcript NM_003242.6 (MANE Select); coding-DNA position 283, A replaced by G.
Protein change: p.Ile95Val; replaces isoleucine 95 with valine.
Molecular consequence: missense variant.
Genome position (GRCh38, 1-based): chr3:30,650,289, A>G. VCF-style: chr3-30650289-A-G. GRCh37 (hg19) VCF-style: chr3-30691781-A-G.
Other names: c.358A>G, p.Ile120Val (NM_001024847.3, NM_001407126.1, NM_001407139.1); c.283A>G, p.Ile95Val (NM_001407127.1, NM_001407130.1); c.310A>G, p.Ile104Val (NM_001407128.1); c.178A>G, p.Ile60Val (NM_001407129.1, NM_001407132.1, NM_001407133.1 and 3 more transcripts); short protein forms I120V, I95V, I104V, I60V.
Identifiers: ClinVar variation 1043804 (VCV001043804.10), dbSNP rs1242885838, ClinGen allele CA351806742.

ClinVar aggregate classification (germline): Uncertain significance/Uncertain risk allele. Review status: criteria provided, multiple submitters, no conflicts (2 of 4 stars). 3 submissions from 3 submitters: Uncertain significance (2); Uncertain risk allele (1). Last evaluated 2024-03-06.

Conditions:
Diabetic retinopathy. Identifiers: MedGen C0011884, MONDO:0005266.
Familial thoracic aortic aneurysm and aortic dissection (TAAD). Also called: Thoracic aortic aneurysms and dissections. Identifiers: Orphanet 91387, MedGen C4707243, MONDO:0019625.

Submissions (3):

Color Diagnostics, LLC DBA Color Health
Classification: Uncertain significance for Familial thoracic aortic aneurysm and aortic dissection. Last evaluated: 2024-03-06. Review status: criteria provided, single submitter. Criteria: ACMG Guidelines, 2015. Collection method: clinical testing. Allele origin: germline.
Comment: This missense variant replaces isoleucine with valine at codon 95 of the TGFBR2 protein. Computational prediction suggests that this variant may not impact protein structure and function (internally defined REVEL score threshold <= 0.5, PMID: 27666373). To our knowledge, functional studies have not been reported for this variant. This variant has not been reported in individuals affected with cardiovascular disorders in the literature. This variant has not been identified in the general population by the Genome Aggregation Database (gnomAD). The available evidence is insufficient to determine the role of this variant in disease conclusively. Therefore, this variant is classified as a Variant of Uncertain Significance.

Labcorp Genetics (formerly Invitae), Labcorp
Classification: Uncertain significance for Familial thoracic aortic aneurysm and aortic dissection. Last evaluated: 2022-09-27. Review status: criteria provided, single submitter. Criteria: Invitae Variant Classification Sherloc (09022015). Collection method: clinical testing. Allele origin: germline.
Comment: This variant has not been reported in the literature in individuals affected with TGFBR2-related conditions. In summary, the available evidence is currently insufficient to determine the role of this variant in disease. Therefore, it has been classified as a Variant of Uncertain Significance. Algorithms developed to predict the effect of sequence changes on RNA splicing suggest that this variant may create or strengthen a splice site. Advanced modeling of protein sequence and biophysical properties (such as structural, functional, and spatial information, amino acid conservation, physicochemical variation, residue mobility, and thermodynamic stability) performed at Invitae indicates that this missense variant is not expected to disrupt TGFBR2 protein function. ClinVar contains an entry for this variant (Variation ID: 1043804). This variant is not present in population databases (gnomAD no frequency). This sequence change replaces isoleucine, which is neutral and non-polar, with valine, which is neutral and non-polar, at codon 95 of the TGFBR2 protein (p.Ile95Val).

Clinical Genomics, Uppaluri K&H Personalized Medicine Clinic
Classification: Uncertain risk allele for Diabetic retinopathy. Review status: criteria provided, single submitter. Criteria: K And H Uppaluri Personalized Medicine Clinic Variant Classification And Assertion Criteria Updated V 2. Collection method: research. Allele origin: unknown.
Comment: Potent mutations in TGFBR2 gene encodes the transforming growth factor that have been associated with angiogenesis and diabetic retinopathy. More clinical studies are needed for stronger association. However, more evidence is required to confer the association of this particular variant rs1242885838 with diabetic retinopathy.

Literature cited by the submitters: PubMed 30222965 (cited by Clinical Genomics, Uppaluri K&H Personalized Medicine Clinic); PubMed 28162229 (cited by Clinical Genomics, Uppaluri K&H Personalized Medicine Clinic); PubMed 34572573 (cited by Clinical Genomics, Uppaluri K&H Personalized Medicine Clinic).